The following is an entry in ClinVar:

ClinVar aggregate classification (germline): Uncertain significance (1 of 4 stars; one submission).

Submission:

Labcorp Genetics (formerly Invitae), Labcorp
Classification: Uncertain significance. Last evaluated: 2022-11-01. Review status: criteria provided, single submitter. Criteria: Invitae Variant Classification Sherloc (09022015). Collection method: clinical testing. Allele origin: germline.
Comment: In summary, the available evidence is currently insufficient to determine the role of this variant in disease. Therefore, it has been classified as a Variant of Uncertain Significance. Advanced modeling of protein sequence and biophysical properties (such as structural, functional, and spatial information, amino acid conservation, physicochemical variation, residue mobility, and thermodynamic stability) performed at Invitae indicates that this missense variant is not expected to disrupt PROM1 protein function. This variant has not been reported in the literature in individuals affected with PROM1-related conditions. This variant is not present in population databases (gnomAD no frequency). This sequence change replaces leucine, which is neutral and non-polar, with valine, which is neutral and non-polar, at codon 80 of the PROM1 protein (p.Leu80Val).

NM_006017.3(PROM1):c.238T>G (p.Leu80Val)

Gene: PROM1 (prominin 1; minus strand). Cytogenetic location: 4p15.32.
Variant type: single nucleotide variant.
Coding change: c.238T>G on transcript NM_006017.3 (MANE Select); coding-DNA position 238, T replaced by G.
Protein change: p.Leu80Val; replaces leucine 80 with valine.
Molecular consequence: missense variant.
Genome position (GRCh38, 1-based): chr4:16,038,984, A>C on the plus strand (T>G on the coding strand, the complement: PROM1 is on the minus strand). VCF-style: chr4-16038984-A-C. GRCh37 (hg19) VCF-style: chr4-16040607-A-C.
Other names: c.238T>G, p.Leu80Val (NM_001145847.2, NM_001145848.2, NM_001145849.2 and 6 more transcripts); short protein forms L80V.
Identifiers: ClinVar variation 1996723 (VCV001996723.4), dbSNP rs2149408073, ClinGen allele CA356430266.